The following is an entry in ClinVar:

ClinVar aggregate classification (germline): Conflicting classifications of pathogenicity. Review status: criteria provided, conflicting classifications (1 of 4 stars). 6 submissions from 6 submitters: Uncertain significance (3); Likely benign (3). Last evaluated 2025-10-08.

Conditions:
Dilated cardiomyopathy 1G (CMD1G). Identifiers: Orphanet 154, MedGen C1858763, MONDO:0011400, OMIM 604145.
Autosomal recessive limb-girdle muscular dystrophy type 2J (LGMDR10). Also called: MUSCULAR DYSTROPHY, LIMB-GIRDLE, AUTOSOMAL RECESSIVE 10; Limb-girdle muscular dystrophy, type 2J. Identifiers: Orphanet 140922, MedGen C1837342, MONDO:0012127, OMIM 608807.
TTN-related disorder. Also called: TTN-related disorders; TTN-related condition; TTN-related disease.
Cardiomyopathy (CMYO). Also called: Cardiomyopathies. Identifiers: Orphanet 167848, MedGen C0878544, MONDO:0004994, HP:0001638. Inheritance: Various modes of inheritance.

Allele frequency attached by ClinVar (database versions not stated): gnomAD 0.00003 and 0.00001; gnomAD exomes 0.00012 and 0.00006; ExAC 0.00013.
gnomAD v4.1: 88 of 1,613,244 alleles (0.0055%); highest among the groups gnomAD compares: South Asian, 0.075%; no homozygotes.

Submissions (6):

PreventionGenetics, part of Exact Sciences
Classification: Uncertain significance for TTN-related condition. Last evaluated: 2025-10-08. Review status: criteria provided, single submitter. Criteria: ACMG Guidelines, 2015. Collection method: clinical testing. Allele origin: germline.
Comment: The TTN c.97612C>T variant is predicted to result in the amino acid substitution p.Arg32538Cys. To our knowledge, this variant has not been reported in the literature in individuals affected with TTN-related disorders. This variant is reported in 0.085% of alleles in individuals of South Asian descent in gnomAD. At this time, the clinical significance of this variant is uncertain due to the absence of conclusive functional and genetic evidence.

CeGaT Center for Human Genetics Tuebingen
Classification: Uncertain significance. Last evaluated: 2019-04-01. Review status: criteria provided, single submitter. Criteria: CeGaT Center For Human Genetics Tuebingen Variant Classification Criteria Version 2. Collection method: clinical testing. Allele origin: germline. Affected: yes. Observed: 1 variant allele.

Laboratory for Molecular Medicine, Mass General Brigham Personalized Medicine
Classification: Likely benign. Last evaluated: 2019-01-18. Review status: criteria provided, single submitter. Criteria: LMM Criteria. Collection method: clinical testing. Allele origin: germline. Observed: 1 variant allele.
Comment: proposed classification - variant undergoing re-assessment, contact laboratory

CHEO Genetics Diagnostic Laboratory, Children's Hospital of Eastern Ontario
Classification: Likely benign for Cardiomyopathy. Last evaluated: 2018-02-01. Review status: criteria provided, single submitter. Criteria: ACMG Guidelines, 2015. Collection method: clinical testing. Allele origin: germline.

Labcorp Genetics (formerly Invitae), Labcorp
Classification: Uncertain significance for Dilated cardiomyopathy 1G; Autosomal recessive limb-girdle muscular dystrophy type 2J. Last evaluated: 2017-12-14. Review status: criteria provided, single submitter. Criteria: Invitae Variant Classification Sherloc (09022015). Collection method: clinical testing. Allele origin: germline.

GeneDx
Classification: Likely benign. Last evaluated: 2017-03-16. Review status: criteria provided, single submitter. Criteria: GeneDx Variant Classification (06012015). Collection method: clinical testing. Allele origin: germline. Affected: yes.
Comment: This variant is considered likely benign or benign based on one or more of the following criteria: it is a conservative change, it occurs at a poorly conserved position in the protein, it is predicted to be benign by multiple in silico algorithms, and/or has population frequency not consistent with disease.

NM_001267550.2(TTN):c.97612C>T (p.Arg32538Cys)

Genes: TTN (titin; minus strand), TTN-AS1 (TTN antisense RNA 1; plus strand). Cytogenetic location: 2q31.2.
Variant type: single nucleotide variant.
Coding change: c.97612C>T on transcript NM_001267550.2 (MANE Select); coding-DNA position 97612, C replaced by T.
Protein change: p.Arg32538Cys; replaces arginine 32538 with cysteine.
Molecular consequence: missense variant.
Genome position (GRCh38, 1-based): chr2:178,541,465, G>A on the plus strand (C>T on the coding strand, the complement: TTN is on the minus strand). VCF-style: chr2-178541465-G-A. GRCh37 (hg19) VCF-style: chr2-179406192-G-A.
Other names: p.R29970C:CGC>TGC; c.92689C>T, p.Arg30897Cys (NM_001256850.1); c.70417C>T, p.Arg23473Cys (NM_003319.4); c.89908C>T, p.Arg29970Cys (NM_133378.4); c.70792C>T, p.Arg23598Cys (NM_133432.3); c.70993C>T, p.Arg23665Cys (NM_133437.4); short protein forms R29970C, R32538C, R30897C, R23473C, R23665C, R23598C.
Identifiers: ClinVar variation 202338 (VCV000202338.48), dbSNP rs761050391, ClinGen allele CA309132.
Genomic context (GRCh38, chr2:178,541,465, plus strand): 5'-GTGTCATTGTCACAGGTACTTTATTTACACGGACCCATCGATCTGCTCTCACTTCTTTGC[G>A]CTCCACAATATATCCAGTCACTTGGGAGCCACCGTCATCCTCTGGTGGGTACCAAGTAAG-3'
Protein context (NP_001254479.2, residues 32528-32548): GSQVTGYIVE[Arg32538Cys]KEVRADRWVR